The following is an entry in ClinVar:

NM_080860.4(RSPH1):c.916G>C (p.Asp306His)

Gene: RSPH1 (radial spoke head component 1; minus strand). Cytogenetic location: 21q22.3.
Variant type: single nucleotide variant.
Coding change: c.916G>C on transcript NM_080860.4 (MANE Select); coding-DNA position 916, G replaced by C.
Protein change: p.Asp306His; replaces aspartic acid 306 with histidine.
Molecular consequence: missense variant.
Genome position (GRCh38, 1-based): chr21:42,472,832, C>G on the plus strand (G>C on the coding strand, the complement: RSPH1 is on the minus strand). VCF-style: chr21-42472832-C-G. GRCh37 (hg19) VCF-style: chr21-43892942-C-G.
Other names: c.802G>C, p.Asp268His (NM_001286506.2); short protein forms D306H, D268H.
Identifiers: ClinVar variation 1028540 (VCV001028540.5), dbSNP rs1052502852, ClinGen allele CA321545860.

ClinVar aggregate classification (germline): Uncertain significance. Review status: criteria provided, multiple submitters, no conflicts (2 of 4 stars). 2 submissions from 2 submitters: Uncertain significance (2). Last evaluated 2022-04-28.

Conditions:
Primary ciliary dyskinesia 24 (CILD24). Also called: CILIARY DYSKINESIA, PRIMARY, 24, WITHOUT SITUS INVERSUS. Identifiers: Orphanet 244, MedGen C3809634, MONDO:0014202, OMIM 615481.
Primary ciliary dyskinesia. Also called: Ciliary dyskinesia. Identifiers: Orphanet 244, MedGen C0008780, MONDO:0016575, HP:0012265.

Allele frequency attached by ClinVar (database versions not stated): gnomAD exomes 0.00002 and 0.00010; TOPMed 0.00032; gnomAD 0.00040 and 0.00041.
gnomAD v4.1: 84 of 1,610,416 alleles (0.0052%); highest among the groups gnomAD compares: Admixed American, 0.14%; 2 homozygotes.

Submissions (2):

Labcorp Genetics (formerly Invitae), Labcorp
Classification: Uncertain significance for Primary ciliary dyskinesia. Last evaluated: 2022-04-28. Review status: criteria provided, single submitter. Criteria: Invitae Variant Classification Sherloc (09022015). Collection method: clinical testing. Allele origin: germline.
Comment: Algorithms developed to predict the effect of missense changes on protein structure and function are either unavailable or do not agree on the potential impact of this missense change (SIFT: "Deleterious"; PolyPhen-2: "Possibly Damaging"; Align-GVGD: "Class C0"). ClinVar contains an entry for this variant (Variation ID: 1028540). This variant has not been reported in the literature in individuals affected with RSPH1-related conditions. This variant is present in population databases (no rsID available, gnomAD 0.07%). This sequence change replaces aspartic acid, which is acidic and polar, with histidine, which is basic and polar, at codon 306 of the RSPH1 protein (p.Asp306His). In summary, the available evidence is currently insufficient to determine the role of this variant in disease. Therefore, it has been classified as a Variant of Uncertain Significance.

Baylor Genetics
Classification: Uncertain significance for Primary ciliary dyskinesia 24. Last evaluated: 2019-01-14. Review status: criteria provided, single submitter. Criteria: ACMG Guidelines, 2015. Collection method: clinical testing. Allele origin: unknown. Affected: yes.
Comment: This variant was determined to be of uncertain significance according to ACMG Guidelines, 2015 [PMID:25741868].